The following is an entry in ClinVar:

ClinVar aggregate classification (germline): Uncertain significance (1 of 4 stars; one submission).

Conditions:
Kabuki syndrome. Also called: NIIKAWA-KUROKI SYNDROME; Kabuki make-up syndrome. Identifiers: Orphanet 2322, MedGen C0796004, MONDO:0016512.

Submission:

Labcorp Genetics (formerly Invitae), Labcorp
Classification: Uncertain significance for Kabuki syndrome. Last evaluated: 2024-12-12. Review status: criteria provided, single submitter. Criteria: Invitae Variant Classification Sherloc (09022015). Collection method: clinical testing. Allele origin: germline.
Comment: This sequence change replaces serine, which is neutral and polar, with glycine, which is neutral and non-polar, at codon 2002 of the KMT2D protein (p.Ser2002Gly). This variant is not present in population databases (gnomAD no frequency). This variant has not been reported in the literature in individuals affected with KMT2D-related conditions. Invitae Evidence Modeling of protein sequence and biophysical properties (such as structural, functional, and spatial information, amino acid conservation, physicochemical variation, residue mobility, and thermodynamic stability) indicates that this missense variant is not expected to disrupt KMT2D protein function with a negative predictive value of 95%. In summary, the available evidence is currently insufficient to determine the role of this variant in disease. Therefore, it has been classified as a Variant of Uncertain Significance.

NM_003482.4(KMT2D):c.6004A>G (p.Ser2002Gly)

Gene: KMT2D (lysine methyltransferase 2D; minus strand). Cytogenetic location: 12q13.12.
Variant type: single nucleotide variant.
Coding change: c.6004A>G on transcript NM_003482.4 (MANE Select); coding-DNA position 6004, A replaced by G.
Protein change: p.Ser2002Gly; replaces serine 2002 with glycine.
Molecular consequence: missense variant.
Genome position (GRCh38, 1-based): chr12:49,042,194, T>C on the plus strand (A>G on the coding strand, the complement: KMT2D is on the minus strand). VCF-style: chr12-49042194-T-C. GRCh37 (hg19) VCF-style: chr12-49435977-T-C.
Other names: short protein forms S2002G.
Identifiers: ClinVar variation 3681441 (VCV003681441.2).